The following is an entry in ClinVar:

ClinVar aggregate classification (germline): Likely benign. Review status: criteria provided, single submitter (1 of 4 stars). 2 submissions from 2 submitters: Likely benign (1). 1 of the submissions does not count toward it. Last evaluated 2025-03-17.

Conditions:
PRPF6-related disorder. Also called: PRPF6-related condition.

Allele frequency attached by ClinVar (database versions not stated): gnomAD 0.00001; gnomAD exomes 0.00001; TOPMed 0.00002.

Submissions (2):

Labcorp Genetics (formerly Invitae), Labcorp
Classification: Likely benign. Last evaluated: 2025-03-17. Review status: criteria provided, single submitter. Criteria: Invitae Variant Classification Sherloc (09022015). Collection method: clinical testing. Allele origin: germline.

PreventionGenetics, part of Exact Sciences
Classification: Likely benign for PRPF6-related condition. Last evaluated: 2019-07-02. Review status: no assertion criteria provided. Collection method: clinical testing. Allele origin: germline. Not counted in ClinVar's aggregate classification.
Comment: This variant is classified as likely benign based on ACMG/AMP sequence variant interpretation guidelines (Richards et al. 2015 PMID: 25741868, with internal and published modifications).

NM_012469.4(PRPF6):c.2691G>A (p.Val897=)

Gene: PRPF6 (pre-mRNA processing factor 6; plus strand). Cytogenetic location: 20q13.33.
Variant type: single nucleotide variant.
Coding change: c.2691G>A on transcript NM_012469.4 (MANE Select); coding-DNA position 2691, G replaced by A.
Protein change: p.Val897=; no amino-acid change (valine 897 retained).
Molecular consequence: synonymous variant.
Genome position (GRCh38, 1-based): chr20:64,032,858, G>A. VCF-style: chr20-64032858-G-A. GRCh37 (hg19) VCF-style: chr20-62664211-G-A.
Other names: c.2691G>A (NM_012469.3).
Identifiers: ClinVar variation 1542015 (VCV001542015.10), dbSNP rs1035955697, ClinGen allele CA317551198.
Genomic context (GRCh38, chr20:64,032,858, plus strand): 5'-GCGTGGGAGGACCCCTGCCTGACGTGCCCTGTGGTCCCCCCAGGAGCAGCAGGAGGAGGT[G>A]AGGAAGCGCTGTGAGAGTGCAGAGCCTCGGCATGGGGAGCTGTGGTGCGCCGTGTCCAAG-3'
Protein context (NP_036601.2, residues 887-907): QHGTEEQQEE[Val897=]RKRCESAEPR